The following is an entry in ClinVar:

NM_001458.5(FLNC):c.8140dup (p.Ser2714fs)

Genes: FLNC (filamin C; plus strand), FLNC-AS1 (FLNC antisense RNA 1; minus strand). Cytogenetic location: 7q32.1.
Variant type: Duplication.
Coding change: c.8140dup on transcript NM_001458.5 (MANE Select); coding-DNA position 8140, one base duplicated (A; older notation c.8140dupA).
Protein change: p.Ser2714fs; shifts the reading frame from serine 2714.
Molecular consequence: frameshift variant.
Genome position (GRCh38, 1-based): chr7:128,858,485, A duplicated; the last of 3 consecutive A bases (chr7:128,858,483-128,858,485); duplicating any one gives the same sequence. VCF-style (leftmost placement, unchanged base first): chr7-128858482-G-GA. GRCh37 (hg19) VCF-style: chr7-128498536-G-GA.
Other names: c.8041dup, p.Ser2681fs (NM_001127487.2); c.8140dupA (NM_001458.4); short protein forms S2714fs, S2681fs.
Identifiers: ClinVar variation 539441 (VCV000539441.7), dbSNP rs1554402084, ClinGen allele CA658797010.
Genomic context (GRCh38, chr7:128,858,482, plus strand): 5'-AATGTCACCTACACTGTCAAGGAGAAAGGGGACTACATCCTCATTGTCAAGTGGGGTGAC[G>GA]AAAGTGTCCCTGGAAGCCCCTTCAAAGTCAAGGTCCCTTGAATCCCAAAAGTGCCTCCCC-3'

ClinVar aggregate classification (germline): Uncertain significance (1 of 4 stars; one submission).

Conditions:
Distal myopathy with posterior leg and anterior hand involvement. Also called: WILLIAMS DISTAL MYOPATHY. Identifiers: Orphanet 63273, MedGen C3279722, MONDO:0013550, OMIM 614065.
Myofibrillar myopathy 5. Also called: Filaminopathy (type); FILAMINOPATHY, AUTOSOMAL DOMINANT. Identifiers: Orphanet 171445, MedGen C1836050, MONDO:0012289, OMIM 609524.
Hypertrophic cardiomyopathy 26. Also called: Cardiomyopathy, familial hypertrophic, 26. Identifiers: Orphanet 75249, MedGen C4310749, MONDO:0014883, OMIM 617047.

Submission:

Labcorp Genetics (formerly Invitae), Labcorp
Classification: Uncertain significance for Distal myopathy with posterior leg and anterior hand involvement; Myofibrillar myopathy 5; Hypertrophic cardiomyopathy 26. Last evaluated: 2025-10-04. Review status: criteria provided, single submitter. Criteria: Invitae Variant Classification Sherloc (09022015). Collection method: clinical testing. Allele origin: germline.
Comment: This sequence change creates a premature translational stop signal (p.Ser2714Lysfs*90) in the FLNC gene. While this is not anticipated to result in nonsense mediated decay, it is expected to disrupt the last 12 amino acid(s) of the FLNC protein. This variant is not present in population databases (gnomAD no frequency). This variant has not been reported in the literature in individuals affected with FLNC-related conditions. ClinVar contains an entry for this variant (Variation ID: 539441). In summary, the available evidence is currently insufficient to determine the role of this variant in disease. Therefore, it has been classified as a Variant of Uncertain Significance.